The following is an entry in ClinVar:

NM_000111.3(SLC26A3):c.1645A>G (p.Ile549Val)

Gene: SLC26A3 (solute carrier family 26 member 3; minus strand). Cytogenetic location: 7q22.3.
Variant type: single nucleotide variant.
Coding change: c.1645A>G on transcript NM_000111.3 (MANE Select); coding-DNA position 1645, A replaced by G.
Protein change: p.Ile549Val; replaces isoleucine 549 with valine.
Molecular consequence: missense variant.
Genome position (GRCh38, 1-based): chr7:107,776,484, T>C on the plus strand (A>G on the coding strand, the complement: SLC26A3 is on the minus strand). VCF-style: chr7-107776484-T-C. GRCh37 (hg19) VCF-style: chr7-107416929-T-C.
Other names: short protein forms I549V.
Identifiers: ClinVar variation 2143329 (VCV002143329.3), dbSNP rs184317244, ClinGen allele CA4433759.

ClinVar aggregate classification (germline): Uncertain significance (1 of 4 stars; one submission).

Allele frequency attached by ClinVar (database versions not stated): gnomAD exomes below 0.00001; ExAC 0.00001; gnomAD 0.00002; TOPMed 0.00002; 1000 Genomes Project 0.00020; 1000 Genomes Project 30x 0.00031.
gnomAD v4.1: 7 of 1,613,972 alleles (0.00043%); highest among the groups gnomAD compares: Admixed American, 0.0033%; no homozygotes.

Submission:

Labcorp Genetics (formerly Invitae), Labcorp
Classification: Uncertain significance. Last evaluated: 2024-12-24. Review status: criteria provided, single submitter. Criteria: Invitae Variant Classification Sherloc (09022015). Collection method: clinical testing. Allele origin: germline.
Comment: This sequence change replaces isoleucine, which is neutral and non-polar, with valine, which is neutral and non-polar, at codon 549 of the SLC26A3 protein (p.Ile549Val). This variant is present in population databases (rs184317244, gnomAD 0.01%). This variant has not been reported in the literature in individuals affected with SLC26A3-related conditions. ClinVar contains an entry for this variant (Variation ID: 2143329). Invitae Evidence Modeling of protein sequence and biophysical properties (such as structural, functional, and spatial information, amino acid conservation, physicochemical variation, residue mobility, and thermodynamic stability) indicates that this missense variant is not expected to disrupt SLC26A3 protein function with a negative predictive value of 95%. In summary, the available evidence is currently insufficient to determine the role of this variant in disease. Therefore, it has been classified as a Variant of Uncertain Significance.